The following is an entry in ClinVar:

ClinVar aggregate classification (germline): Likely benign. Review status: criteria provided, multiple submitters, no conflicts (2 of 4 stars). 2 submissions from 2 submitters: Likely benign (2). Last evaluated 2025-12-24.

Conditions:
VPS13B-related disorder. Also called: VPS13B-related condition.
Cohen syndrome (COH1). Also called: PEPPER SYNDROME; Cutis verticis gyrata, retinitis pigmentosa, and sensorineural deafness. Identifiers: Orphanet 193, MedGen C0265223, MONDO:0008999, OMIM 216550.

Submissions (2):

Labcorp Genetics (formerly Invitae), Labcorp
Classification: Likely benign for Cohen syndrome. Last evaluated: 2025-12-24. Review status: criteria provided, single submitter. Criteria: Invitae Variant Classification Sherloc (09022015). Collection method: clinical testing. Allele origin: germline.

PreventionGenetics, part of Exact Sciences
Classification: Likely benign for VPS13B-related condition. Last evaluated: 2025-05-15. Review status: criteria provided, single submitter. Criteria: ACMG Guidelines, 2015. Collection method: clinical testing. Allele origin: germline.
Comment: This variant is classified as likely benign based on ACMG/AMP sequence variant interpretation guidelines (Richards et al. 2015 PMID: 25741868, with internal and published modifications).

NM_152564.5(VPS13B):c.5106A>G (p.Glu1702=)

Gene: VPS13B (vacuolar protein sorting 13 homolog B; plus strand). Cytogenetic location: 8q22.2.
Variant type: single nucleotide variant.
Coding change: c.5106A>G on transcript NM_152564.5 (MANE Select); coding-DNA position 5106, A replaced by G.
Protein change: p.Glu1702=; no amino-acid change (glutamic acid 1702 retained).
Molecular consequence: synonymous variant.
Genome position (GRCh38, 1-based): chr8:99,577,519, A>G. VCF-style: chr8-99577519-A-G. GRCh37 (hg19) VCF-style: chr8-100589747-A-G.
Other names: c.5181A>G, p.Glu1727= (NM_017890.5).
Identifiers: ClinVar variation 2158946 (VCV002158946.5), dbSNP rs2490910045, ClinGen allele CA462449044.
Genomic context (GRCh38, chr8:99,577,519, plus strand): 5'-CTTTATCTGTATTCTACCGTTTTTGCTTCAGGAGATTTTAGTGTGTGGCCATTCCTTAGA[A>G]GTGAATATAACCACAAACCTGGACTTCTTCCTAAGTGTGGCTCAAGTTCAACTCTTACAT-3'
Protein context (NP_689777.3, residues 1692-1712): EEILVCGHSL[Glu1702=]VNITTNLDFF